The following is an entry in ClinVar:

ClinVar aggregate classification (germline): Pathogenic (1 of 4 stars; one submission).

Conditions:
Gastrointestinal stromal tumor. Also called: Gastrointestinal stromal tumor, somatic; Gastrointestinal stroma tumor. Identifiers: Orphanet 44890, MedGen C0238198, MeSH D046152, MONDO:0011719, OMIM 606764, HP:0100723.

Submission:

Labcorp Genetics (formerly Invitae), Labcorp
Classification: Pathogenic for Gastrointestinal stromal tumor. Last evaluated: 2024-04-11. Review status: criteria provided, single submitter. Criteria: Invitae Variant Classification Sherloc (09022015). Collection method: clinical testing. Allele origin: germline.
Comment: This sequence change creates a premature translational stop signal (p.Glu839Valfs*28) in the KIT gene. It is expected to result in an absent or disrupted protein product. Loss-of-function variants in KIT are known to be pathogenic (PMID: 15194144). This variant is not present in population databases (gnomAD no frequency). This variant has not been reported in the literature in individuals affected with KIT-related conditions. For these reasons, this variant has been classified as Pathogenic.

Literature cited by the submitters: PubMed 15194144.

NM_000222.3(KIT):c.2514_2515dup (p.Glu839fs)

Gene: KIT (KIT proto-oncogene, receptor tyrosine kinase; plus strand). Cytogenetic location: 4q12.
Variant type: Duplication.
Coding change: c.2514_2515dup on transcript NM_000222.3 (MANE Select); coding-DNA positions 2514 to 2515, 2 bases duplicated (TG; older notation c.2514_2515dupTG).
Protein change: p.Glu839fs; shifts the reading frame from glutamic acid 839.
Molecular consequence: frameshift variant.
Genome position (GRCh38, 1-based): chr4:54,736,527-54,736,528, TG duplicated. VCF-style (leftmost placement, unchanged base first): chr4-54736526-C-CTG. GRCh37 (hg19) VCF-style: chr4-55602692-C-CTG.
Other names: c.2502_2503dup, p.Glu835fs (NM_001093772.2, NM_001385292.1); c.2517_2518dup, p.Glu840fs (NM_001385284.1); c.2511_2512dup, p.Glu838fs (NM_001385285.1); c.2499_2500dup, p.Glu834fs (NM_001385286.1); c.2505_2506dup, p.Glu836fs (NM_001385288.1); c.2514_2515dup, p.Glu839fs (NM_001385290.1); short protein forms E838fs, E840fs, E835fs, E839fs, E836fs, E834fs.
Identifiers: ClinVar variation 3638245 (VCV003638245.2).